The following is an entry in ClinVar:

NM_018368.4(LMBRD1):c.1338+2T>C

Gene: LMBRD1 (LMBR1 domain containing 1; minus strand). Cytogenetic location: 6q13.
Variant type: single nucleotide variant.
Coding change: c.1338+2T>C on transcript NM_018368.4 (MANE Select); the canonical splice donor site of the intron after coding-DNA position 1338, T replaced by C.
Molecular consequence: splice donor variant.
Genome position (GRCh38, 1-based): chr6:69,699,041, A>G on the plus strand (T>C on the coding strand, the complement: LMBRD1 is on the minus strand). VCF-style: chr6-69699041-A-G. GRCh37 (hg19) VCF-style: chr6-70408933-A-G.
Other names: c.1119+2T>C (NM_001367272.1, NM_001367271.1, NM_001363722.2).
Identifiers: ClinVar variation 1324667 (VCV001324667.13), dbSNP rs147270670, ClinGen allele CA3879612.
Genomic context (GRCh38, chr6:69,699,041, plus strand): 5'-TCATTTTAAATATCACTATCTTTAAAATATCAAAATAATCAAGTTTCAAATATTTCACTT[A>G]CCTCTATTAAGTAATTTTGGCTTCCATACATAACATATTGGGGAGCAAGACTATAAATCA-3'

ClinVar aggregate classification (germline): Conflicting classifications of pathogenicity. Review status: criteria provided, conflicting classifications (1 of 4 stars). 5 submissions from 5 submitters: Likely pathogenic (3); Uncertain significance (2). Last evaluated 2026-01-20.

Conditions:
Cobalamin C disease. Also called: Cobalamin-C methylmalonic acidemia and homocystinuria; Methylmalonic acidemia and homocystinuria cblC type; methylmalonic aciduria and homocystinuria type cblC; Methylmalonic aciduria with homocystinuria cblC type; Methylmalonic aciduria and homocystinuria, Vitamin B12-responsive; Vitamin B12 metabolic defect with combined deficiency of methylmalonyl-CoA mutase and homocysteine:methyltetrahydrofolate methyltransferase. Identifiers: Orphanet 26, Orphanet 79282, MedGen C1848561, MONDO:0010184, OMIM 277400.
Methylmalonic aciduria and homocystinuria type cblF. Also called: METHYLMALONIC ACIDEMIA AND HOMOCYSTINURIA, cblF TYPE; METHYLMALONIC ACIDURIA DUE TO VITAMIN B12-RELEASE DEFECT; VITAMIN B12 LYSOSOMAL RELEASE DEFECT; VITAMIN B12 STORAGE DISEASE; COBALAMIN F DISEASE; COBALAMIN, DEFECT IN LYSOSOMAL RELEASE OF. Identifiers: Orphanet 79284, MedGen C1848578, MONDO:0010183, OMIM 277380.
Inborn genetic diseases. Identifiers: MedGen C0950123, MeSH D030342.

Allele frequency attached by ClinVar (database versions not stated): gnomAD exomes 0.00002 and 0.00007; ExAC 0.00008; 1000 Genomes Project 0.00020; 1000 Genomes Project 30x 0.00031; ESP Exome Variant Server 0.00038.
gnomAD v4.1: 60 of 1,563,866 alleles (0.0038%); highest among the groups gnomAD compares: African/African-American, 0.065%; no homozygotes.

Submissions (6):

Labcorp Genetics (formerly Invitae), Labcorp
Classification: Likely pathogenic for Methylmalonic aciduria and homocystinuria type cblF. Last evaluated: 2026-01-20. Review status: criteria provided, single submitter. Criteria: Invitae Variant Classification Sherloc (09022015). Collection method: clinical testing. Allele origin: germline.
Comment: This sequence change affects a donor splice site in intron 13 of the LMBRD1 gene. It is expected to disrupt RNA splicing. Variants that disrupt the donor or acceptor splice site typically lead to a loss of protein function (PMID: 16199547), and loss-of-function variants in LMBRD1 are known to be pathogenic (PMID: 19136951, 21303734). This variant is present in population databases (rs147270670, gnomAD 0.08%). This variant has not been reported in the literature in individuals affected with LMBRD1-related conditions. ClinVar contains an entry for this variant (Variation ID: 1324667). Algorithms developed to predict the effect of sequence changes on RNA splicing suggest that this variant may disrupt the consensus splice site. In summary, the currently available evidence indicates that the variant is pathogenic, but additional data are needed to prove that conclusively. Therefore, this variant has been classified as Likely Pathogenic.

Women's Health and Genetics/Laboratory Corporation of America, LabCorp
Classification: Likely pathogenic for Cobalamin C disease. Last evaluated: 2024-07-30. Review status: criteria provided, single submitter. Criteria: LabCorp Variant Classification Summary - May 2015. Collection method: clinical testing. Allele origin: germline.
Comment: Variant summary: LMBRD1 c.1338+2T>C is located in a canonical splice-site and is predicted to affect mRNA splicing resulting in a significantly altered protein due to either exon skipping, shortening, or inclusion of intronic material. Variants that disrupt the consensus splice site are a relatively common cause of aberrant splicing and loss of LMBRD1 function. Several computational tools predict a significant impact on normal splicing: One predict the variant no significant impact on splicing. Three predict the variant abolishes a 5' splicing donor site. However, these predictions have yet to be confirmed by functional studies. The variant allele was found at a frequency of 7.2e-05 in 248906 control chromosomes (gnomAD). This frequency is not significantly higher than estimated for a pathogenic variant in LMBRD1 causing Methylmalonic Acidemia With Homocystinuria (7.2e-05 vs 0.00079), allowing no conclusion about variant significance. To our knowledge, no occurrence of c.1338+2T>C in individuals affected with Methylmalonic Acidemia With Homocystinuria and no experimental evidence demonstrating its impact on protein function have been reported. ClinVar contains an entry for this variant (Variation ID: 1324667). Based on the evidence outlined above, the variant was classified as likely pathogenic.

Blueprint Genetics
Classification: Uncertain significance. Last evaluated: 2024-07-04. Review status: criteria provided, single submitter. Criteria: ACMG Guidelines, 2015. Collection method: clinical testing. Allele origin: germline.

Ambry Genetics
Classification: Uncertain significance for Inborn genetic diseases. Last evaluated: 2022-03-25. Review status: criteria provided, single submitter. Criteria: Ambry Variant Classification Scheme 2023. Collection method: clinical testing. Allele origin: germline.
Comment: The c.1338+2T>C intronic alteration consists of a T to C substitution nucleotides after coding exon 13 in the LMBRD1 gene. Based on insufficient or conflicting evidence, the clinical significance of this alteration remains unclear.

Revvity Omics, Revvity
Classification: Likely pathogenic for Methylmalonic aciduria and homocystinuria type cblF. Last evaluated: 2020-05-26. Review status: criteria provided, single submitter. Criteria: ACMG Guidelines, 2015. Collection method: clinical testing. Allele origin: germline.

Dr. Peter K. Rogan Lab, Western University
No classification provided (evidence only). Condition: Lung cancer. Review status: no classification provided. Collection method: in vitro. Allele origin: not applicable. Functional consequence: skipped exon, retained intron. Not counted in ClinVar's aggregate classification.

Literature cited by the submitters: PubMed 16199547 (cited by Labcorp Genetics (formerly Invitae), Labcorp); PubMed 19136951 (cited by Labcorp Genetics (formerly Invitae), Labcorp); PubMed 21303734 (cited by Labcorp Genetics (formerly Invitae), Labcorp).